The following is an entry in ClinVar:

NM_001353694.2(TIAM1):c.2593G>A (p.Val865Met)

Gene: TIAM1 (TIAM Rac1 associated GEF 1; minus strand). Cytogenetic location: 21q22.11.
Variant type: single nucleotide variant.
Coding change: c.2593G>A on transcript NM_001353694.2 (MANE Select); coding-DNA position 2593, G replaced by A.
Protein change: p.Val865Met; replaces valine 865 with methionine.
Molecular consequence: missense variant.
Genome position (GRCh38, 1-based): chr21:31,187,070, C>T on the plus strand (G>A on the coding strand, the complement: TIAM1 is on the minus strand). VCF-style: chr21-31187070-C-T. GRCh37 (hg19) VCF-style: chr21-32559386-C-T.
Other names: c.2593G>A, p.Val865Met (NM_001353686.2, NM_001353688.1, NM_001353689.1 and 5 more transcripts); c.2518G>A, p.Val840Met (NM_001353687.2); short protein forms V840M, V865M.
Identifiers: ClinVar variation 2574495 (VCV002574495.6), dbSNP rs2085338785, ClinGen allele CA410051029.

ClinVar aggregate classification (germline): Uncertain significance. Review status: criteria provided, multiple submitters, no conflicts (2 of 4 stars). 4 submissions from 4 submitters: Uncertain significance (4). Last evaluated 2026-02-23.

Conditions:
Neurodevelopmental disorder with language delay and seizures (NEDLDS). Identifiers: MedGen C5676998, MONDO:0859256, OMIM 619908.
TIAM1-related disorder. Also called: TIAM1-related condition.

Allele frequency attached by ClinVar (database versions not stated): gnomAD exomes below 0.00001.
gnomAD v4.1: 3 of 1,614,090 alleles (0.00019%); highest among the groups gnomAD compares: Admixed American, 0.0033%; no homozygotes.

Submissions (4):

PreventionGenetics, part of Exact Sciences
Classification: Uncertain significance for TIAM1-related condition. Last evaluated: 2026-02-23. Review status: criteria provided, single submitter. Criteria: ACMG Guidelines, 2015. Collection method: clinical testing. Allele origin: germline.
Comment: The TIAM1 c.2593G>A variant is predicted to result in the amino acid substitution p.Val865Met. To our knowledge, this variant has not been reported in the literature or in a large population database (gnomAD), indicating this variant is rare. (PreventionGenetics, internal data). Although we suspect that this variant may be benign, at this time, the clinical significance of this variant is uncertain due to the absence of conclusive functional and genetic evidence.

Ambry Genetics
Classification: Uncertain significance. Last evaluated: 2025-11-11. Review status: criteria provided, single submitter. Criteria: Ambry Variant Classification Scheme 2023. Collection method: clinical testing. Allele origin: germline.

ARUP Laboratories, Molecular Genetics and Genomics, ARUP Laboratories
Classification: Uncertain significance for Neurodevelopmental disorder with language delay and seizures. Last evaluated: 2023-10-14. Review status: criteria provided, single submitter. Criteria: ARUP Molecular Germline Variant Investigation Process 2024. Collection method: clinical testing. Allele origin: germline.

GeneDx
Classification: Uncertain significance. Last evaluated: 2023-01-28. Review status: criteria provided, single submitter. Criteria: GeneDx Variant Classification Process June 2021. Collection method: clinical testing. Allele origin: germline. Affected: yes.
Comment: Has not been previously published as pathogenic or benign to our knowledge; Not observed at significant frequency in large population cohorts (gnomAD); In silico analysis supports that this missense variant does not alter protein structure/function